The following is an entry in ClinVar:

ClinVar aggregate classification (germline): Uncertain significance. Review status: criteria provided, multiple submitters, no conflicts (2 of 4 stars). 2 submissions from 2 submitters: Uncertain significance (2). Last evaluated 2025-11-24.

Conditions:
Sulfite oxidase deficiency due to molybdenum cofactor deficiency type C. Also called: Molybdenum cofactor deficiency, complementation group C; Molybdenum cofactor deficiency C. Identifiers: Orphanet 308400, Orphanet 833, MedGen C1854990, MONDO:0014212, OMIM 615501.
Inborn genetic diseases. Identifiers: MedGen C0950123, MeSH D030342.

Allele frequency attached by ClinVar (database versions not stated): gnomAD 0.00001; TOPMed 0.00002; gnomAD exomes 0.00003; ExAC 0.00006.
gnomAD v4.1: 22 of 1,612,420 alleles (0.0014%); highest among the groups gnomAD compares: African/African-American, 0.0027%; no homozygotes.

Submissions (2):

Labcorp Genetics (formerly Invitae), Labcorp
Classification: Uncertain significance for Sulfite oxidase deficiency due to molybdenum cofactor deficiency type C. Last evaluated: 2025-11-24. Review status: criteria provided, single submitter. Criteria: Invitae Variant Classification Sherloc (09022015). Collection method: clinical testing. Allele origin: germline.
Comment: This sequence change replaces arginine, which is basic and polar, with glutamine, which is neutral and polar, at codon 443 of the GPHN protein (p.Arg443Gln). This variant is present in population databases (rs745338809, gnomAD 0.01%). This variant has not been reported in the literature in individuals affected with GPHN-related conditions. ClinVar contains an entry for this variant (Variation ID: 1007658). Invitae Evidence Modeling of protein sequence and biophysical properties (such as structural, functional, and spatial information, amino acid conservation, physicochemical variation, residue mobility, and thermodynamic stability) indicates that this missense variant is expected to disrupt GPHN protein function with a positive predictive value of 80%. In summary, the available evidence is currently insufficient to determine the role of this variant in disease. Therefore, it has been classified as a Variant of Uncertain Significance.

Ambry Genetics
Classification: Uncertain significance for Inborn genetic diseases. Last evaluated: 2021-10-21. Review status: criteria provided, single submitter. Criteria: Ambry Variant Classification Scheme 2023. Collection method: clinical testing. Allele origin: germline.

NM_020806.5(GPHN):c.1328G>A (p.Arg443Gln)

Gene: GPHN (gephyrin; plus strand). Cytogenetic location: 14q23.3.
Variant type: single nucleotide variant.
Coding change: c.1328G>A on transcript NM_020806.5 (MANE Select); coding-DNA position 1328, G replaced by A.
Protein change: p.Arg443Gln; replaces arginine 443 with glutamine.
Molecular consequence: missense variant.
Genome position (GRCh38, 1-based): chr14:67,110,174, G>A. VCF-style: chr14-67110174-G-A. GRCh37 (hg19) VCF-style: chr14-67576891-G-A.
Other names: c.1328G>A (NM_020806.4); c.1229G>A, p.Arg410Gln (NM_001024218.2); c.1388G>A, p.Arg463Gln (NM_001377514.1); c.1358G>A, p.Arg453Gln (NM_001377515.1); c.1349G>A, p.Arg450Gln (NM_001377516.1); c.1301G>A, p.Arg434Gln (NM_001377517.1); c.1286G>A, p.Arg429Gln (NM_001377518.1); c.1268G>A, p.Arg423Gln (NM_001377519.1); short protein forms R410Q, R423Q, R429Q, R434Q, R443Q, R450Q, R453Q, R463Q.
Identifiers: ClinVar variation 1007658 (VCV001007658.9), dbSNP rs745338809, ClinGen allele CA7234061.